The following is an entry in ClinVar:

ClinVar aggregate classification (germline): Uncertain significance (1 of 4 stars; one submission).

Conditions:
Neuromuscular disease caused by qualitative or quantitative defects of dysferlin. Also called: Dysferlinopathy; Qualitative or quantitative defects of dysferlin. Identifiers: Orphanet 207073, MedGen C2931687, MONDO:0016145.

Submission:

Labcorp Genetics (formerly Invitae), Labcorp
Classification: Uncertain significance for Neuromuscular disease caused by qualitative or quantitative defects of dysferlin. Last evaluated: 2022-03-18. Review status: criteria provided, single submitter. Criteria: Invitae Variant Classification Sherloc (09022015). Collection method: clinical testing. Allele origin: germline.
Comment: In summary, the available evidence is currently insufficient to determine the role of this variant in disease. Therefore, it has been classified as a Variant of Uncertain Significance. Advanced modeling of protein sequence and biophysical properties (such as structural, functional, and spatial information, amino acid conservation, physicochemical variation, residue mobility, and thermodynamic stability) performed at Invitae indicates that this missense variant is expected to disrupt DYSF protein function. ClinVar contains an entry for this variant (Variation ID: 835753). This variant has not been reported in the literature in individuals affected with DYSF-related conditions. This variant is not present in population databases (gnomAD no frequency). This sequence change replaces proline, which is neutral and non-polar, with serine, which is neutral and polar, at codon 651 of the DYSF protein (p.Pro651Ser).

NM_001130987.2(DYSF):c.2005C>T (p.Pro669Ser)

Gene: DYSF (dysferlin; plus strand). Cytogenetic location: 2p13.2.
Variant type: single nucleotide variant.
Coding change: c.2005C>T on transcript NM_001130987.2 (MANE Select); coding-DNA position 2005, C replaced by T.
Protein change: p.Pro669Ser; replaces proline 669 with serine.
Molecular consequence: missense variant.
Genome position (GRCh38, 1-based): chr2:71,553,827, C>T. VCF-style: chr2-71553827-C-T. GRCh37 (hg19) VCF-style: chr2-71780957-C-T.
Other names: c.1954C>T, p.Pro652Ser (NM_001130455.2, NM_001130983.2); c.1909C>T, p.Pro637Ser (NM_001130976.2, NM_001130977.2); c.1951C>T, p.Pro651Ser (NM_001130978.2, NM_003494.4); c.2044C>T, p.Pro682Ser (NM_001130979.2); c.2002C>T, p.Pro668Ser (NM_001130980.2, NM_001130981.2); c.2047C>T, p.Pro683Ser (NM_001130982.2); c.1912C>T, p.Pro638Ser (NM_001130984.2, NM_001130986.2); c.2005C>T, p.Pro669Ser (NM_001130985.2); short protein forms P637S, P638S, P651S, P683S, P652S, P669S, P668S, P682S.
Identifiers: ClinVar variation 835753 (VCV000835753.9), dbSNP rs2091141514, ClinGen allele CA347218835.